The following is an entry in ClinVar:

ClinVar aggregate classification (germline): Benign/Likely benign. Review status: criteria provided, multiple submitters, no conflicts (2 of 4 stars). 4 submissions from 4 submitters: Benign (1); Likely benign (3). Last evaluated 2025-09-02.

Conditions:
SLC35A2-congenital disorder of glycosylation. Also called: CONGENITAL DISORDER OF GLYCOSYLATION, TYPE IIm; CDG IIm; CONGENITAL DISORDER OF GLYCOSYLATION, TYPE IIm, SOMATIC MOSAIC; EPILEPTIC ENCEPHALOPATHY, EARLY INFANTILE, 22; SLC35A2-CDG; DEVELOPMENTAL AND EPILEPTIC ENCEPHALOPATHY 22. Identifiers: Orphanet 356961, MedGen C3806688, MONDO:0010478, OMIM 300896.
Inborn genetic diseases. Identifiers: MedGen C0950123, MeSH D030342.

Allele frequency attached by ClinVar (database versions not stated): TOPMed 0.00001; ExAC 0.00004; gnomAD 0.00004 and 0.00005; gnomAD exomes 0.00005 and 0.00006; ESP Exome Variant Server 0.00009.
gnomAD v4.1: 55 of 1,210,127 alleles (0.0045%); highest among the groups gnomAD compares: South Asian, 0.012%; no homozygotes.

Submissions (4):

Labcorp Genetics (formerly Invitae), Labcorp
Classification: Benign for SLC35A2-congenital disorder of glycosylation. Last evaluated: 2025-09-02. Review status: criteria provided, single submitter. Criteria: Invitae Variant Classification Sherloc (09022015). Collection method: clinical testing. Allele origin: germline.

CeGaT Center for Human Genetics Tuebingen
Classification: Likely benign. Last evaluated: 2025-04-01. Review status: criteria provided, single submitter. Criteria: CeGaT Center For Human Genetics Tuebingen Variant Classification Criteria Version 2. Collection method: clinical testing. Allele origin: germline. Affected: yes. Observed: 2 variant alleles.
Comment: SLC35A2: BP4, BS2

Ambry Genetics
Classification: Likely benign for Inborn genetic diseases. Last evaluated: 2020-03-13. Review status: criteria provided, single submitter. Criteria: Ambry Variant Classification Scheme 2023. Collection method: clinical testing. Allele origin: germline.

GeneDx
Classification: Likely benign. Last evaluated: 2017-03-10. Review status: criteria provided, single submitter. Criteria: GeneDx Variant Classification (06012015). Collection method: clinical testing. Allele origin: germline. Affected: yes.
Comment: This variant is considered likely benign or benign based on one or more of the following criteria: it is a conservative change, it occurs at a poorly conserved position in the protein, it is predicted to be benign by multiple in silico algorithms, and/or has population frequency not consistent with disease.

NM_005660.3(SLC35A2):c.1062C>T (p.Ser354=)

Gene: SLC35A2 (solute carrier family 35 member A2; minus strand). Cytogenetic location: Xp11.23.
Variant type: single nucleotide variant.
Coding change: c.1062C>T on transcript NM_005660.3 (MANE Select); coding-DNA position 1062, C replaced by T.
Protein change: p.Ser354=; no amino-acid change (serine 354 retained).
Molecular consequence: synonymous variant. On other transcripts: missense variant (3).
Genome position (GRCh38, 1-based): chrX:48,904,847, G>A on the plus strand (C>T on the coding strand, the complement: SLC35A2 is on the minus strand). VCF-style: chrX-48904847-G-A. GRCh37 (hg19) VCF-style: chrX-48762124-G-A.
Other names: c.472C>T, p.Arg158Cys (NM_001032289.3, NM_001282647.2); c.1062C>T, p.Ser354= (NM_001042498.3); c.400C>T, p.Arg134Cys (NM_001282648.2); c.879C>T, p.Ser293= (NM_001282649.2); c.1101C>T, p.Ser367= (NM_001282650.2); c.1146C>T, p.Ser382= (NM_001282651.2); short protein forms R158C, R134C.
Identifiers: ClinVar variation 507814 (VCV000507814.45), dbSNP rs142781476, ClinGen allele CA10406067.